The following is an entry in ClinVar:

NM_000834.5(GRIN2B):c.812C>T (p.Ala271Val)

Gene: GRIN2B (glutamate ionotropic receptor NMDA type subunit 2B; minus strand). Cytogenetic location: 12p13.1.
Variant type: single nucleotide variant.
Coding change: c.812C>T on transcript NM_000834.5 (MANE Select); coding-DNA position 812, C replaced by T.
Protein change: p.Ala271Val; replaces alanine 271 with valine.
Molecular consequence: missense variant.
Genome position (GRCh38, 1-based): chr12:13,753,515, G>A on the plus strand (C>T on the coding strand, the complement: GRIN2B is on the minus strand). VCF-style: chr12-13753515-G-A. GRCh37 (hg19) VCF-style: chr12-13906449-G-A.
Other names: short protein forms A271V.
Identifiers: ClinVar variation 377943 (VCV000377943.22), dbSNP rs138098032, ClinGen allele CA6461362.
Genomic context (GRCh38, chr12:13,753,515, plus strand): 5'-GCGGGGAGGCCATAGTCCCATTCATCATATGATACAGAGATGAGCCCAGTGGGGAACTCC[G>A]CAGGCACTGTGTCTGTATCCCCTGCCACCAGACTGGGCACGATCCACGTGTAGCCATAGC-3'
Protein context (NP_000825.2, residues 261-281): LVAGDTDTVP[Ala271Val]EFPTGLISVS

ClinVar aggregate classification (germline): Benign/Likely benign. Review status: criteria provided, multiple submitters, no conflicts (2 of 4 stars). 6 submissions from 6 submitters: Benign (1); Likely benign (4). 1 of the submissions does not count toward it. Last evaluated 2026-08-01.

Conditions:
Inborn genetic diseases. Identifiers: MedGen C0950123, MeSH D030342.
Intellectual developmental disorder, autosomal dominant 6, with or without seizures. Also called: Intellectual disability, autosomal dominant 6; GRIN2B-related developmental delay, intellectual disability and autism spectrum disorder. Identifiers: Orphanet 589547, MedGen C3151411, MONDO:0013509, OMIM 613970.
Developmental and epileptic encephalopathy, 27 (DEE27). Also called: GRIN2B-Related Neurodevelopmental Disorder; Epileptic encephalopathy, early infantile, 27. Identifiers: Orphanet 3451, MedGen C4015316, MONDO:0014505, OMIM 616139.
GRIN2B-related disorder. Also called: GRIN2B-related condition.

Allele frequency attached by ClinVar (database versions not stated): 1000 Genomes Project 30x 0.00031; 1000 Genomes Project 0.00040; gnomAD 0.00041; ESP Exome Variant Server 0.00054; TOPMed 0.00057.
gnomAD v4.1: 146 of 1,614,098 alleles (0.009%); highest among the groups gnomAD compares: African/African-American, 0.17%; no homozygotes.

Submissions (6):

CeGaT Center for Human Genetics Tuebingen
Classification: Likely benign. Last evaluated: 2026-08-01. Review status: criteria provided, single submitter. Criteria: CeGaT Center For Human Genetics Tuebingen Variant Classification Criteria Version 2. Collection method: clinical testing. Allele origin: germline. Affected: yes. Observed: 2 variant alleles.
Comment: GRIN2B: BP4, BS1

Labcorp Genetics (formerly Invitae), Labcorp
Classification: Likely benign for Developmental and epileptic encephalopathy, 27; Intellectual developmental disorder, autosomal dominant 6, with or without seizures. Last evaluated: 2025-11-15. Review status: criteria provided, single submitter. Criteria: Invitae Variant Classification Sherloc (09022015). Collection method: clinical testing. Allele origin: germline.

Blueprint Genetics
Classification: Likely benign. Last evaluated: 2024-04-11. Review status: criteria provided, single submitter. Criteria: ACMG Guidelines, 2015. Collection method: clinical testing. Allele origin: germline.

GeneDx
Classification: Benign. Last evaluated: 2020-09-18. Review status: criteria provided, single submitter. Criteria: GeneDx Variant Classification Process June 2021. Collection method: clinical testing. Allele origin: germline. Affected: yes.
Comment: This variant is associated with the following publications: (PMID: 24272827, 27818011)

Ambry Genetics
Classification: Likely benign for Inborn genetic diseases. Last evaluated: 2018-01-04. Review status: criteria provided, single submitter. Criteria: Ambry Variant Classification Scheme 2023. Collection method: clinical testing. Allele origin: germline.

PreventionGenetics, part of Exact Sciences
Classification: Likely benign for GRIN2B-related condition. Last evaluated: 2020-07-21. Review status: no assertion criteria provided. Collection method: clinical testing. Allele origin: germline. Not counted in ClinVar's aggregate classification.
Comment: This variant is classified as likely benign based on ACMG/AMP sequence variant interpretation guidelines (Richards et al. 2015 PMID: 25741868, with internal and published modifications).

Literature cited by the submitters: PubMed 27818011 (cited by Ambry Genetics).